The following is an entry in ClinVar:

NM_003500.4(ACOX2):c.380G>A (p.Arg127Lys)

Gene: ACOX2 (acyl-CoA oxidase 2; minus strand). Cytogenetic location: 3p14.3.
Variant type: single nucleotide variant.
Coding change: c.380G>A on transcript NM_003500.4 (MANE Select); coding-DNA position 380, G replaced by A.
Protein change: p.Arg127Lys; replaces arginine 127 with lysine.
Molecular consequence: missense variant.
Genome position (GRCh38, 1-based): chr3:58,534,089, C>T on the plus strand (G>A on the coding strand, the complement: ACOX2 is on the minus strand). VCF-style: chr3-58534089-C-T. GRCh37 (hg19) VCF-style: chr3-58519816-C-T.
Other names: short protein forms R127K.
Identifiers: ClinVar variation 1034006 (VCV001034006.1), dbSNP rs1453813439, ClinGen allele CA353372816.

ClinVar aggregate classification (germline): Uncertain significance (1 of 4 stars; one submission).

Conditions:
Congenital bile acid synthesis defect 6. Identifiers: MedGen C4310624, MONDO:0015015, OMIM 617308.

Allele frequency attached by ClinVar (database versions not stated): gnomAD exomes below 0.00001.

Submission:

Baylor Genetics
Classification: Uncertain significance for Congenital bile acid synthesis defect 6. Last evaluated: 2018-05-09. Review status: criteria provided, single submitter. Criteria: ACMG Guidelines, 2015. Collection method: clinical testing. Allele origin: maternal. Affected: yes.
Comment: This variant was determined to be of uncertain significance according to ACMG Guidelines, 2015 [PMID:25741868].